The following is an entry in ClinVar:

NM_005430.4(WNT1):c.624+8T>A

Gene: WNT1 (Wnt family member 1; plus strand). Cytogenetic location: 12q13.12.
Variant type: single nucleotide variant.
Coding change: c.624+8T>A on transcript NM_005430.4 (MANE Select); 8 bases into the intron after coding-DNA position 624, T replaced by A.
Molecular consequence: intron variant.
Genome position (GRCh38, 1-based): chr12:48,980,697, T>A. VCF-style: chr12-48980697-T-A. GRCh37 (hg19) VCF-style: chr12-49374480-T-A.
Identifiers: ClinVar variation 3045467 (VCV003045467.2), dbSNP rs1204086080, ClinGen allele CA689543853.

ClinVar aggregate classification (germline): Likely benign (0 of 4 stars; one submission).

Conditions:
WNT1-related disorder. Also called: WNT1-related condition.

Allele frequency attached by ClinVar (database versions not stated): gnomAD 0.00001; TOPMed 0.00001.
gnomAD v4.1: 7 of 1,532,952 alleles (0.00046%); highest among the groups gnomAD compares: Non-Finnish European, 0.00061%; no homozygotes.

Submission:

PreventionGenetics, part of Exact Sciences
Classification: Likely benign for WNT1-related condition. Last evaluated: 2019-11-04. Review status: no assertion criteria provided. Collection method: clinical testing. Allele origin: germline.
Comment: This variant is classified as likely benign based on ACMG/AMP sequence variant interpretation guidelines (Richards et al. 2015 PMID: 25741868, with internal and published modifications).